The following is an entry in ClinVar:

NM_001042492.3(NF1):c.6680_6681del (p.Asp2227fs)

Gene: NF1 (neurofibromin 1; plus strand). Cytogenetic location: 17q11.2.
Variant type: Deletion.
Coding change: c.6680_6681del on transcript NM_001042492.3 (MANE Select); coding-DNA positions 6680 to 6681, 2 bases deleted (AC; older notation c.6680_6681delAC).
Protein change: p.Asp2227fs; shifts the reading frame from aspartic acid 2227.
Molecular consequence: frameshift variant.
Genome position (GRCh38, 1-based): chr17:31,337,856-31,337,857, AC deleted. VCF-style (leftmost placement, unchanged base first): chr17-31337855-GAC-G. GRCh37 (hg19) VCF-style: chr17-29664873-GAC-G.
Other names: c.6617_6618del, p.Asp2206fs (NM_000267.4); short protein forms D2227fs, D2206fs.
Identifiers: ClinVar variation 4720839 (VCV004720839.1).
Genomic context (GRCh38, chr17:31,337,855, plus strand): 5'-TATTCAGAGTATCCCCTTTTTTAGGCATGCATGAGAGATATTCCAACGTGCAAGTGGCTG[GAC>G]CAGTGGACAGAACTAGCTCAAAGGTATGTCCTAAATTAAATATAAGTTGTAAAAATATGC-3'

ClinVar aggregate classification (germline): Pathogenic (1 of 4 stars; one submission).

Conditions:
Neurofibromatosis, type 1 (NF1). Also called: NEUROFIBROMATOSIS, TYPE I, SOMATIC; VON RECKLINGHAUSEN DISEASE; Peripheral type neurofibromatosis; Neurofibromatosis, type I. Identifiers: Orphanet 636, MedGen C0027831, MONDO:0018975, OMIM 162200. Disease mechanism: loss of function.

Submission:

Labcorp Genetics (formerly Invitae), Labcorp
Classification: Pathogenic for Neurofibromatosis, type 1. Last evaluated: 2025-06-05. Review status: criteria provided, single submitter. Criteria: Invitae Variant Classification Sherloc (09022015). Collection method: clinical testing. Allele origin: germline.
Comment: This sequence change creates a premature translational stop signal (p.Asp2206Alafs*14) in the NF1 gene. It is expected to result in an absent or disrupted protein product. Loss-of-function variants in NF1 are known to be pathogenic (PMID: 10712197, 23913538). This variant is not present in population databases (gnomAD no frequency). This variant has not been reported in the literature in individuals affected with NF1-related conditions. For these reasons, this variant has been classified as Pathogenic.

Literature cited by the submitters: PubMed 10712197; PubMed 23913538.